The following is an entry in ClinVar:

NM_021072.4(HCN1):c.870T>G (p.Asp290Glu)

Gene: HCN1 (hyperpolarization activated cyclic nucleotide gated potassium channel 1; minus strand). Cytogenetic location: 5p12.
Variant type: single nucleotide variant.
Coding change: c.870T>G on transcript NM_021072.4 (MANE Select); coding-DNA position 870, T replaced by G.
Protein change: p.Asp290Glu; replaces aspartic acid 290 with glutamic acid.
Molecular consequence: missense variant.
Genome position (GRCh38, 1-based): chr5:45,461,987, A>C on the plus strand (T>G on the coding strand, the complement: HCN1 is on the minus strand). VCF-style: chr5-45461987-A-C. GRCh37 (hg19) VCF-style: chr5-45462089-A-C.
Other names: short protein forms D290E.
Identifiers: ClinVar variation 1721419 (VCV001721419.5), dbSNP rs777218326, ClinGen allele CA359705068.

ClinVar aggregate classification (germline): Uncertain significance (1 of 4 stars; one submission).

Conditions:
Early-infantile DEE. Also called: Early infantile epileptic encephalopathy with suppression bursts; Early infantile epileptic encephalopathy; Ohtahara syndrome. Identifiers: Orphanet 1934, MedGen C0393706, MONDO:0800491.

Submission:

Labcorp Genetics (formerly Invitae), Labcorp
Classification: Uncertain significance for Early-infantile DEE. Last evaluated: 2022-12-18. Review status: criteria provided, single submitter. Criteria: Invitae Variant Classification Sherloc (09022015). Collection method: clinical testing. Allele origin: germline.
Comment: This missense change has been observed in at least one individual who was not affected with HCN1-related conditions (Invitae). This variant has not been reported in the literature in individuals affected with HCN1-related conditions. This variant is not present in population databases (gnomAD no frequency). This sequence change replaces aspartic acid, which is acidic and polar, with glutamic acid, which is acidic and polar, at codon 290 of the HCN1 protein (p.Asp290Glu). ClinVar contains an entry for this variant (Variation ID: 1721419). In summary, the available evidence is currently insufficient to determine the role of this variant in disease. Therefore, it has been classified as a Variant of Uncertain Significance. Advanced modeling of protein sequence and biophysical properties (such as structural, functional, and spatial information, amino acid conservation, physicochemical variation, residue mobility, and thermodynamic stability) performed at Invitae indicates that this missense variant is expected to disrupt HCN1 protein function.